The following is an entry in ClinVar:

ClinVar aggregate classification (germline): Uncertain significance (0 of 4 stars; one submission).

Conditions:
TRIO-related disorder. Also called: TRIO-related condition; TRIO-related disorders.

Submission:

PreventionGenetics, part of Exact Sciences
Classification: Uncertain significance for TRIO-related condition. Last evaluated: 2024-04-12. Review status: no assertion criteria provided. Collection method: clinical testing. Allele origin: germline.
Comment: The TRIO c.2603G>T variant is predicted to result in the amino acid substitution p.Cys868Phe. To our knowledge, this variant has not been reported in the literature or in a large population database, indicating this variant is rare. At this time, the clinical significance of this variant is uncertain due to the absence of conclusive functional and genetic evidence.

NM_007118.4(TRIO):c.2603G>T (p.Cys868Phe)

Gene: TRIO (trio Rho guanine nucleotide exchange factor; plus strand). Cytogenetic location: 5p15.2.
Variant type: single nucleotide variant.
Coding change: c.2603G>T on transcript NM_007118.4 (MANE Select); coding-DNA position 2603, G replaced by T.
Protein change: p.Cys868Phe; replaces cysteine 868 with phenylalanine.
Molecular consequence: missense variant. On other transcripts: non-coding transcript variant (1).
Genome position (GRCh38, 1-based): chr5:14,364,665, G>T. VCF-style: chr5-14364665-G-T. GRCh37 (hg19) VCF-style: chr5-14364774-G-T.
Other names: short protein forms C868F.
Identifiers: ClinVar variation 3346420 (VCV003346420.1).